The following is an entry in ClinVar:

NM_000243.3(MEFV):c.1639T>C (p.Trp547Arg)

Gene: MEFV (MEFV innate immunity regulator, pyrin; minus strand). Cytogenetic location: 16p13.3.
Variant type: single nucleotide variant.
Coding change: c.1639T>C on transcript NM_000243.3 (MANE Select); coding-DNA position 1639, T replaced by C.
Protein change: p.Trp547Arg; replaces tryptophan 547 with arginine.
Molecular consequence: missense variant.
Genome position (GRCh38, 1-based): chr16:3,244,560, A>G on the plus strand (T>C on the coding strand, the complement: MEFV is on the minus strand). VCF-style: chr16-3244560-A-G. GRCh37 (hg19) VCF-style: chr16-3294560-A-G.
Other names: c.1006T>C, p.Trp336Arg (NM_001198536.2); short protein forms W336R, W547R.
Identifiers: ClinVar variation 2177038 (VCV002177038.2), dbSNP rs1015503384, ClinGen allele CA276896157.

ClinVar aggregate classification (germline): Uncertain significance. Review status: criteria provided, multiple submitters, no conflicts (2 of 4 stars). 2 submissions from 2 submitters: Uncertain significance (2). Last evaluated 2024-06-17.

Conditions:
Familial Mediterranean fever, autosomal dominant. Also called: Dominant Familial Mediterranean Fever; FMF, AUTOSOMAL DOMINANT. Identifiers: Orphanet 342, MedGen C1851347, MONDO:0007601, OMIM 134610.
Acute febrile neutrophilic dermatosis (AFND). Also called: Sweet Syndrome; Gomm Button disease. Identifiers: Orphanet 3243, MedGen C0085077, MONDO:0011959, OMIM 608068.
Familial Mediterranean fever (FMF). Also called: POLYSEROSITIS, FAMILIAL PAROXYSMAL; POLYSEROSITIS, RECURRENT; Periodic peritonitis; Benign paroxysmal peritonitis. Identifiers: Orphanet 342, MedGen C0031069, MONDO:0018088, OMIM 249100. Disease mechanism: gain of function.

Allele frequency attached by ClinVar (database versions not stated): gnomAD exomes 0.00001; TOPMed 0.00001; gnomAD 0.00002.
gnomAD v4.1: 11 of 1,613,998 alleles (0.00068%); highest among the groups gnomAD compares: Admixed American, 0.0033%; no homozygotes.

Submissions (2):

Fulgent Genetics
Classification: Uncertain significance for Familial Mediterranean fever, autosomal dominant; Familial Mediterranean fever; Acute febrile neutrophilic dermatosis. Last evaluated: 2024-06-17. Review status: criteria provided, single submitter. Criteria: ACMG Guidelines, 2015. Collection method: clinical testing. Allele origin: germline.

Labcorp Genetics (formerly Invitae), Labcorp
Classification: Uncertain significance for Familial Mediterranean fever. Last evaluated: 2021-09-24. Review status: criteria provided, single submitter. Criteria: Invitae Variant Classification Sherloc (09022015). Collection method: clinical testing. Allele origin: germline.
Comment: This sequence change replaces tryptophan with arginine at codon 547 of the MEFV protein (p.Trp547Arg). The tryptophan residue is moderately conserved and there is a moderate physicochemical difference between tryptophan and arginine. This variant is not present in population databases (ExAC no frequency). This variant has not been reported in the literature in individuals with MEFV-related conditions. Algorithms developed to predict the effect of missense changes on protein structure and function output the following: SIFT: "Deleterious"; PolyPhen-2: "Possibly Damaging"; Align-GVGD: "Class C0". The arginine amino acid residue is found in multiple mammalian species, suggesting that this missense change does not adversely affect protein function. These predictions have not been confirmed by published functional studies and their clinical significance is uncertain. In summary, the available evidence is currently insufficient to determine the role of this variant in disease. Therefore, it has been classified as a Variant of Uncertain Significance.